The following is an entry in ClinVar:

ClinVar aggregate classification (germline): Uncertain significance (1 of 4 stars; one submission).

Conditions:
Carnitine palmitoyltransferase II deficiency. Also called: Carnitine Palmitoyltransferase 2 Deficiency. Identifiers: Orphanet 157, MedGen C0342790, MONDO:0015515.

Submission:

Labcorp Genetics (formerly Invitae), Labcorp
Classification: Uncertain significance for Carnitine palmitoyltransferase II deficiency. Last evaluated: 2022-08-18. Review status: criteria provided, single submitter. Criteria: Invitae Variant Classification Sherloc (09022015). Collection method: clinical testing. Allele origin: germline.
Comment: This sequence change replaces isoleucine, which is neutral and non-polar, with leucine, which is neutral and non-polar, at codon 269 of the CPT2 protein (p.Ile269Leu). This variant is not present in population databases (gnomAD no frequency). This variant has not been reported in the literature in individuals affected with CPT2-related conditions. Advanced modeling of protein sequence and biophysical properties (such as structural, functional, and spatial information, amino acid conservation, physicochemical variation, residue mobility, and thermodynamic stability) performed at Invitae indicates that this missense variant is not expected to disrupt CPT2 protein function. In summary, the available evidence is currently insufficient to determine the role of this variant in disease. Therefore, it has been classified as a Variant of Uncertain Significance.

NM_000098.3(CPT2):c.805A>C (p.Ile269Leu)

Gene: CPT2 (carnitine palmitoyltransferase 2; plus strand). Cytogenetic location: 1p32.3.
Variant type: single nucleotide variant.
Coding change: c.805A>C on transcript NM_000098.3 (MANE Select); coding-DNA position 805, A replaced by C.
Protein change: p.Ile269Leu; replaces isoleucine 269 with leucine.
Molecular consequence: missense variant.
Genome position (GRCh38, 1-based): chr1:53,210,479, A>C. VCF-style: chr1-53210479-A-C. GRCh37 (hg19) VCF-style: chr1-53676151-A-C.
Other names: c.805A>C, p.Ile269Leu (NM_001330589.2); short protein forms I269L.
Identifiers: ClinVar variation 1716618 (VCV001716618.3), dbSNP rs2525587981, ClinGen allele CA340393773.